The following is an entry in ClinVar:

ClinVar aggregate classification (germline): Uncertain significance (1 of 4 stars; one submission).

Conditions:
Proline dehydrogenase deficiency (HYRPRO1). Also called: PROLINE OXIDASE DEFICIENCY; Hyperprolinemia type 1. Identifiers: Orphanet 419, MedGen C0268529, MONDO:0009400, OMIM 239500.

Submission:

Labcorp Genetics (formerly Invitae), Labcorp
Classification: Uncertain significance for Proline dehydrogenase deficiency. Last evaluated: 2022-11-29. Review status: criteria provided, single submitter. Criteria: Invitae Variant Classification Sherloc (09022015). Collection method: clinical testing. Allele origin: germline.
Comment: In summary, the available evidence is currently insufficient to determine the role of this variant in disease. Therefore, it has been classified as a Variant of Uncertain Significance. Algorithms developed to predict the effect of missense changes on protein structure and function output the following: SIFT: "Deleterious"; PolyPhen-2: "Benign"; Align-GVGD: "Class C0". The histidine amino acid residue is found in multiple mammalian species, which suggests that this missense change does not adversely affect protein function. This variant has not been reported in the literature in individuals affected with PRODH-related conditions. This variant is not present in population databases (gnomAD no frequency). This sequence change replaces arginine, which is basic and polar, with histidine, which is basic and polar, at codon 598 of the PRODH protein (p.Arg598His).

NM_016335.6(PRODH):c.1793G>A (p.Arg598His)

Gene: PRODH (proline dehydrogenase 1; minus strand). Cytogenetic location: 22q11.21.
Variant type: single nucleotide variant.
Coding change: c.1793G>A on transcript NM_016335.6 (MANE Select); coding-DNA position 1793, G replaced by A.
Protein change: p.Arg598His; replaces arginine 598 with histidine.
Molecular consequence: missense variant.
Genome position (GRCh38, 1-based): chr22:18,913,185, C>T on the plus strand (G>A on the coding strand, the complement: PRODH is on the minus strand). VCF-style: chr22-18913185-C-T. GRCh37 (hg19) VCF-style: chr22-18900698-C-T.
Other names: c.1469G>A, p.Arg490His (NM_001195226.2, NM_001368250.2); short protein forms R490H, R598H.
Identifiers: ClinVar variation 2182392 (VCV002182392.4), dbSNP rs1157431206, ClinGen allele CA410637505.